The following is an entry in ClinVar:

ClinVar aggregate classification (germline): Uncertain significance (1 of 4 stars; one submission).

Allele frequency attached by ClinVar (database versions not stated): gnomAD exomes below 0.00001; gnomAD 0.00001; TOPMed 0.00001.
gnomAD v4.1: 4 of 1,611,696 alleles (0.00025%); highest among the groups gnomAD compares: Non-Finnish European, 0.00017%; no homozygotes.

Submission:

Labcorp Genetics (formerly Invitae), Labcorp
Classification: Uncertain significance. Last evaluated: 2022-07-12. Review status: criteria provided, single submitter. Criteria: Invitae Variant Classification Sherloc (09022015). Collection method: clinical testing. Allele origin: germline.
Comment: This sequence change falls in intron 17 of the PNPT1 gene. It does not directly change the encoded amino acid sequence of the PNPT1 protein. It affects a nucleotide within the consensus splice site. In summary, the available evidence is currently insufficient to determine the role of this variant in disease. Therefore, it has been classified as a Variant of Uncertain Significance. Variants that disrupt the consensus splice site are a relatively common cause of aberrant splicing (PMID: 17576681, 9536098). Algorithms developed to predict the effect of sequence changes on RNA splicing suggest that this variant may create or strengthen a splice site. ClinVar contains an entry for this variant (Variation ID: 1499182). This variant has not been reported in the literature in individuals affected with PNPT1-related conditions. This variant is not present in population databases (gnomAD no frequency).

Literature cited by the submitters: PubMed 17576681; PubMed 9536098.

NM_033109.5(PNPT1):c.1441+3A>G

Gene: PNPT1 (polyribonucleotide nucleotidyltransferase 1; minus strand). Cytogenetic location: 2p16.1.
Variant type: single nucleotide variant.
Coding change: c.1441+3A>G on transcript NM_033109.5 (MANE Select); 3 bases into the intron after coding-DNA position 1441, A replaced by G.
Molecular consequence: intron variant.
Genome position (GRCh38, 1-based): chr2:55,656,128, T>C on the plus strand (A>G on the coding strand, the complement: PNPT1 is on the minus strand). VCF-style: chr2-55656128-T-C. GRCh37 (hg19) VCF-style: chr2-55883263-T-C.
Identifiers: ClinVar variation 1499182 (VCV001499182.6), dbSNP rs1696378742, ClinGen allele CA1030930296.